The following is an entry in ClinVar:

ClinVar aggregate classification (germline): Benign (1 of 4 stars; one submission).

Submission:

CeGaT Center for Human Genetics Tuebingen
Classification: Benign. Last evaluated: 2022-05-01. Review status: criteria provided, single submitter. Criteria: CeGaT Center For Human Genetics Tuebingen Variant Classification Criteria Version 2. Collection method: clinical testing. Allele origin: germline. Affected: yes. Observed: 1 variant allele.
Comment: MYT1L: BS1, BS2

NM_001303052.2(MYT1L):c.3080+4049_3080+4147del

Gene: MYT1L (myelin transcription factor 1 like; minus strand). Cytogenetic location: 2p25.3.
Variant type: Deletion.
Coding change: c.3080+4049_3080+4147del on transcript NM_001303052.2 (MANE Select); bases 4049 to 4147 of the intron after coding-DNA position 3080, 99 bases deleted.
Molecular consequence: intron variant.
Genome position (GRCh38, 1-based): chr2:1,835,002-1,835,100, 99 bases deleted. GRCh37 (hg19): chr2:1,838,789-1,838,887.
Other names: c.3074+4049_3074+4147del (NM_015025.4, NM_001329847.2, NM_001329848.1 and 3 more transcripts); c.3080+4049_3080+4147del (NM_001329844.2, NM_001329845.1, NM_001329851.3).
Identifiers: ClinVar variation 2650615 (VCV002650615.24), dbSNP rs2040679449, ClinGen allele CA530409949.